The following is an entry in ClinVar:

NC_000009.11:g.(?_6550783)_(6645499_?)del

Gene: GLDC (glycine decarboxylase; minus strand). Cytogenetic location: 9p24.1.
Variant type: Deletion.
Identifiers: ClinVar variation 2422528 (VCV002422528.2).

ClinVar aggregate classification (germline): Pathogenic (1 of 4 stars; one submission).

Conditions:
Glycine encephalopathy. Also called: Nonketotic hyperglycinemia; Non-ketotic hyperglycinemia. Identifiers: Orphanet 407, MedGen C0751748, MONDO:0011612, HP:0008288.

Submission:

Labcorp Genetics (formerly Invitae), Labcorp
Classification: Pathogenic for Glycine encephalopathy. Last evaluated: 2022-08-05. Review status: criteria provided, single submitter. Criteria: Invitae Variant Classification Sherloc (09022015). Collection method: clinical testing. Allele origin: germline.
Comment: This variant is a gross deletion of the genomic region encompassing exon(s) 1-21 of the GLDC gene, which includes the initiator codon. This deletion extends beyond the assayed region for this gene and therefore may encompass additional genes. It is expected to result in an absent or disrupted protein product. Loss-of-function variants in GLDC are known to be pathogenic (PMID: 16601880). A similar copy number variant has been observed in individual(s) with glycine encephalopathy (PMID: 26179960). For these reasons, this variant has been classified as Pathogenic.

Literature cited by the submitters: PubMed 16601880; PubMed 26179960.